The following is an entry in ClinVar:

ClinVar aggregate classification (germline): Uncertain significance (1 of 4 stars; one submission).

Conditions:
Inborn genetic diseases. Identifiers: MedGen C0950123, MeSH D030342.

Submission:

Ambry Genetics
Classification: Uncertain significance for Inborn genetic diseases. Last evaluated: 2025-09-13. Review status: criteria provided, single submitter. Criteria: Ambry Variant Classification Scheme 2023. Collection method: clinical testing. Allele origin: germline.
Comment: The p.R1810T variant (also known as c.5429G>C), located in coding exon 21 of the FANCM gene, results from a G to C substitution at nucleotide position 5429. The arginine at codon 1810 is replaced by threonine, an amino acid with similar properties. This amino acid position is conserved. In addition, this alteration is predicted to be tolerated by in silico analysis. Based on the available evidence, the clinical significance of this variant remains unclear.

NM_020937.4(FANCM):c.5429G>C (p.Arg1810Thr)

Gene: FANCM (FA complementation group M; plus strand). Cytogenetic location: 14q21.2.
Variant type: single nucleotide variant.
Coding change: c.5429G>C on transcript NM_020937.4 (MANE Select); coding-DNA position 5429, G replaced by C.
Protein change: p.Arg1810Thr; replaces arginine 1810 with threonine.
Molecular consequence: missense variant.
Genome position (GRCh38, 1-based): chr14:45,196,260, G>C. VCF-style: chr14-45196260-G-C. GRCh37 (hg19) VCF-style: chr14-45665463-G-C.
Other names: c.5351G>C, p.Arg1784Thr (NM_001308133.2); short protein forms R1810T, R1784T.
Identifiers: ClinVar variation 4254753 (VCV004254753.1).